The following is an entry in ClinVar:

ClinVar aggregate classification (germline): Conflicting classifications of pathogenicity. Review status: criteria provided, conflicting classifications (1 of 4 stars). 2 submissions from 2 submitters: Uncertain significance (1); Likely benign (1). Last evaluated 2023-12-19.

Conditions:
Oligodontia-cancer predisposition syndrome. Also called: TOOTH AGENESIS-COLORECTAL CANCER SYNDROME. Identifiers: Orphanet 300576, MedGen C1837750, MONDO:0012075, OMIM 608615. Disease mechanism: loss of function.

gnomAD v4.1: 1 of 1,613,008 alleles (0.000062%); highest among the groups gnomAD compares: Non-Finnish European, 0.000085%; no homozygotes.

Submissions (2):

Myriad Genetics, Inc.
Classification: Likely benign for Oligodontia-cancer predisposition syndrome. Last evaluated: 2023-12-19. Review status: criteria provided, single submitter. Criteria: Myriad Autosomal Dominant, Autosomal Recessive and X-Linked Classification Criteria (2023). Collection method: clinical testing. Allele origin: unknown.
Comment: This variant is considered likely benign. This variant is intronic and is not expected to impact mRNA splicing.

Labcorp Genetics (formerly Invitae), Labcorp
Classification: Uncertain significance for Oligodontia-cancer predisposition syndrome. Last evaluated: 2022-12-14. Review status: criteria provided, single submitter. Criteria: Invitae Variant Classification Sherloc (09022015). Collection method: clinical testing. Allele origin: germline.
Comment: This sequence change falls in intron 7 of the AXIN2 gene. It does not directly change the encoded amino acid sequence of the AXIN2 protein. It affects a nucleotide within the consensus splice site. This variant is not present in population databases (gnomAD no frequency). This variant has not been reported in the literature in individuals affected with AXIN2-related conditions. ClinVar contains an entry for this variant (Variation ID: 464580). Variants that disrupt the consensus splice site are a relatively common cause of aberrant splicing (PMID: 17576681, 9536098). Algorithms developed to predict the effect of sequence changes on RNA splicing suggest that this variant is not likely to affect RNA splicing. In summary, the available evidence is currently insufficient to determine the role of this variant in disease. Therefore, it has been classified as a Variant of Uncertain Significance.

Literature cited by the submitters: PubMed 17576681 (cited by Labcorp Genetics (formerly Invitae), Labcorp); PubMed 9536098 (cited by Labcorp Genetics (formerly Invitae), Labcorp).

NM_004655.4(AXIN2):c.1907+6C>T

Gene: AXIN2 (axin 2; minus strand). Cytogenetic location: 17q24.1.
Variant type: single nucleotide variant.
Coding change: c.1907+6C>T on transcript NM_004655.4 (MANE Select); 6 bases into the intron after coding-DNA position 1907, C replaced by T.
Molecular consequence: intron variant.
Genome position (GRCh38, 1-based): chr17:65,536,863, G>A on the plus strand (C>T on the coding strand, the complement: AXIN2 is on the minus strand). VCF-style: chr17-65536863-G-A. GRCh37 (hg19) VCF-style: chr17-63532981-G-A.
Other names: c.1713-310C>T (NM_001363813.1); c.1907+6C>T (LRG_296t1).
Identifiers: ClinVar variation 464580 (VCV000464580.9), dbSNP rs1555577337, ClinGen allele CA658658699.